The following is an entry in ClinVar:

ClinVar aggregate classification (germline): Uncertain significance (1 of 4 stars; one submission).

Allele frequency attached by ClinVar (database versions not stated): gnomAD exomes below 0.00001.
gnomAD v4.1: 4 of 1,560,162 alleles (0.00026%); highest among the groups gnomAD compares: Admixed American, 0.0017%; no homozygotes.

Submission:

Labcorp Genetics (formerly Invitae), Labcorp
Classification: Uncertain significance. Last evaluated: 2025-11-28. Review status: criteria provided, single submitter. Criteria: Invitae Variant Classification Sherloc (09022015). Collection method: clinical testing. Allele origin: germline.
Comment: This sequence change replaces histidine, which is basic and polar, with tyrosine, which is neutral and polar, at codon 159 of the CACNA1D protein (p.His159Tyr). This variant is not present in population databases (gnomAD no frequency). This variant has not been reported in the literature in individuals affected with CACNA1D-related conditions. ClinVar contains an entry for this variant (Variation ID: 3016656). Invitae Evidence Modeling of protein sequence and biophysical properties (such as structural, functional, and spatial information, amino acid conservation, physicochemical variation, residue mobility, and thermodynamic stability) indicates that this missense variant is not expected to disrupt CACNA1D protein function with a negative predictive value of 80%. In summary, the available evidence is currently insufficient to determine the role of this variant in disease. Therefore, it has been classified as a Variant of Uncertain Significance.

NM_001128840.3(CACNA1D):c.475C>T (p.His159Tyr)

Gene: CACNA1D (calcium voltage-gated channel subunit alpha1 D; plus strand). Cytogenetic location: 3p21.1.
Variant type: single nucleotide variant.
Coding change: c.475C>T on transcript NM_001128840.3 (MANE Select); coding-DNA position 475, C replaced by T.
Protein change: p.His159Tyr; replaces histidine 159 with tyrosine.
Molecular consequence: missense variant.
Genome position (GRCh38, 1-based): chr3:53,501,712, C>T. VCF-style: chr3-53501712-C-T. GRCh37 (hg19) VCF-style: chr3-53535739-C-T.
Other names: c.475C>T, p.His159Tyr (NM_000720.4, NM_001128839.3); short protein forms H159Y.
Identifiers: ClinVar variation 3016656 (VCV003016656.3), dbSNP rs2090611084, ClinGen allele CA353382898.
Genomic context (GRCh38, chr3:53,501,712, plus strand): 5'-AATTGTGTGGCCTTAGCTATTTACATCCCATTCCCTGAAGATGATTCTAATTCAACAAAT[C>T]ATAACTTGGTAAGTGTCCTTAGAGTTCCTGCTGGTCCTGGTATATGGTTATCATTTGCTT-3'
Protein context (NP_001122312.1, residues 149-169): FPEDDSNSTN[His159Tyr]NLEKVEYAFL